The following is an entry in ClinVar:

ClinVar aggregate classification (germline): Uncertain significance (1 of 4 stars; one submission).

gnomAD v4.1: 1 of 1,554,128 alleles (0.000064%); highest among the groups gnomAD compares: East Asian, 0.0024%; no homozygotes.

Submission:

Women's Health and Genetics/Laboratory Corporation of America, LabCorp
Classification: Uncertain significance. Last evaluated: 2025-06-06. Review status: criteria provided, single submitter. Criteria: LabCorp Variant Classification Summary - May 2015. Collection method: clinical testing. Allele origin: germline.
Comment: Variant summary: SATB1 c.1840C>T (p.Pro614Ser) results in a non-conservative amino acid change in the encoded protein sequence. Algorithms developed to predict the effect of missense changes on protein structure and function are either unavailable or do not agree on the potential impact of this missense change. The frequency data for this variant in gnomAD is considered unreliable, as metrics indicate poor data quality at this position. To our knowledge, no occurrence of c.1840C>T in individuals affected with SATB1-Related Disorders and no experimental evidence demonstrating its impact on protein function have been reported. No submitters have cited clinical-significance assessments for this variant to ClinVar. Based on the evidence outlined above, the variant was classified as uncertain significance.

NM_002971.6(SATB1):c.1779+644C>T

Gene: SATB1 (SATB homeobox 1; minus strand). Cytogenetic location: 3p24.3.
Variant type: single nucleotide variant.
Coding change: c.1779+644C>T on transcript NM_002971.6 (MANE Select); 644 bases into the intron after coding-DNA position 1779, C replaced by T.
Molecular consequence: intron variant. On other transcripts: missense variant (2).
Genome position (GRCh38, 1-based): chr3:18,351,348, G>A on the plus strand (C>T on the coding strand, the complement: SATB1 is on the minus strand). VCF-style: chr3-18351348-G-A. GRCh37 (hg19) VCF-style: chr3-18392840-G-A.
Other names: c.1840C>T, p.Pro614Ser (NM_001195470.3, NM_001322871.2); c.1779+644C>T (NM_001322874.2, NM_001322872.2, NM_001322873.2 and 2 more transcripts); c.1563+644C>T (NM_001322876.2); short protein forms P614S.
Identifiers: ClinVar variation 3907333 (VCV003907333.1).
Genomic context (GRCh38, chr3:18,351,348, plus strand): 5'-GGCATAGGTAACTGTGCCCGCTCACCTGAGGAGCAGCACCGAGCCATGGTGCAGGGGTCG[G>A]CAGGCCTGGTAAGAAAACGCCTCTAGACTCTCCTTTCCCAAGGGTGGTGGGAGAGGGGCT-3'